The following is an entry in ClinVar:

NM_024928.5(STN1):c.649A>G (p.Met217Val)

Gene: STN1 (STN1 subunit of CST complex; minus strand). Cytogenetic location: 10q24.33.
Variant type: single nucleotide variant.
Coding change: c.649A>G on transcript NM_024928.5 (MANE Select); coding-DNA position 649, A replaced by G.
Protein change: p.Met217Val; replaces methionine 217 with valine.
Molecular consequence: missense variant.
Genome position (GRCh38, 1-based): chr10:103,897,652, T>C on the plus strand (A>G on the coding strand, the complement: STN1 is on the minus strand). VCF-style: chr10-103897652-T-C. GRCh37 (hg19) VCF-style: chr10-105657410-T-C.
Other names: short protein forms M217V.
Identifiers: ClinVar variation 1372252 (VCV001372252.6), dbSNP rs1274653580, ClinGen allele CA378045399.

ClinVar aggregate classification (germline): Uncertain significance (1 of 4 stars; one submission).

Allele frequency attached by ClinVar (database versions not stated): gnomAD exomes below 0.00001; gnomAD 0.00001; TOPMed 0.00002.
gnomAD v4.1: 5 of 1,614,082 alleles (0.00031%); highest among the groups gnomAD compares: Non-Finnish European, 0.00042%; no homozygotes.

Submission:

Labcorp Genetics (formerly Invitae), Labcorp
Classification: Uncertain significance. Last evaluated: 2024-10-07. Review status: criteria provided, single submitter. Criteria: Invitae Variant Classification Sherloc (09022015). Collection method: clinical testing. Allele origin: germline.
Comment: This sequence change replaces methionine, which is neutral and non-polar, with valine, which is neutral and non-polar, at codon 217 of the STN1 protein (p.Met217Val). This variant is not present in population databases (gnomAD no frequency). This variant has not been reported in the literature in individuals affected with STN1-related conditions. ClinVar contains an entry for this variant (Variation ID: 1372252). Invitae Evidence Modeling of protein sequence and biophysical properties (such as structural, functional, and spatial information, amino acid conservation, physicochemical variation, residue mobility, and thermodynamic stability) indicates that this missense variant is not expected to disrupt STN1 protein function with a negative predictive value of 80%. In summary, the available evidence is currently insufficient to determine the role of this variant in disease. Therefore, it has been classified as a Variant of Uncertain Significance.